The following is an entry in ClinVar:

NM_003072.5(SMARCA4):c.811G>A (p.Gly271Arg)

Gene: SMARCA4 (SWI/SNF related BAF chromatin remodeling complex subunit ATPase 4; plus strand). Cytogenetic location: 19p13.2.
Variant type: single nucleotide variant.
Coding change: c.811G>A on transcript NM_003072.5 (MANE Select); coding-DNA position 811, G replaced by A.
Protein change: p.Gly271Arg; replaces glycine 271 with arginine.
Molecular consequence: missense variant. On other transcripts: non-coding transcript variant (1).
Genome position (GRCh38, 1-based): chr19:10,986,955, G>A. VCF-style: chr19-10986955-G-A. GRCh37 (hg19) VCF-style: chr19-11097631-G-A.
Other names: c.811G>A, p.Gly271Arg (NM_001128845.2, NM_001128846.2, NM_001128847.4 and 5 more transcripts); short protein forms G271R.
Identifiers: ClinVar variation 408641 (VCV000408641.16), dbSNP rs769414440, ClinGen allele CA9203587.
Genomic context (GRCh38, chr19:10,986,955, plus strand): 5'-CTACATGTAGGTATGGGAGGGCCCAACATGCCTCCCCCAGGACCCTCGGGCGTGCCCCCC[G>A]GGATGCCAGGCCAGCCTCCTGGAGGGCCTCCCAAGCCCTGGCCTGAAGGTGAGCTCCCTC-3'
Protein context (NP_003063.2, residues 261-281): PPPGPSGVPP[Gly271Arg]MPGQPPGGPP

ClinVar aggregate classification (germline): Conflicting classifications of pathogenicity. Review status: criteria provided, conflicting classifications (1 of 4 stars). 4 submissions from 4 submitters: Uncertain significance (3); Benign (1). Last evaluated 2025-12-22.

Conditions:
Hereditary cancer-predisposing syndrome. Also called: Hereditary Cancer Syndrome; Hereditary neoplastic syndrome; Neoplastic Syndromes, Hereditary; Tumor predisposition. Identifiers: Orphanet 140162, MedGen C0027672, MeSH D009386, MONDO:0015356.
Intellectual disability, autosomal dominant 16 (CSS4). Also called: COFFIN-SIRIS SYNDROME 4. Identifiers: Orphanet 1465, MedGen C3553249, MONDO:0013821, OMIM 614609.
Rhabdoid tumor predisposition syndrome 2 (RTPS2). Identifiers: Orphanet 231108, Orphanet 69077, MedGen C2750074, MONDO:0013224, OMIM 613325.

Allele frequency attached by ClinVar (database versions not stated): gnomAD 0.00001; TOPMed 0.00001; ExAC 0.00002; gnomAD exomes 0.00003.
gnomAD v4.1: 12 of 1,610,326 alleles (0.00075%); highest among the groups gnomAD compares: East Asian, 0.016%; no homozygotes.

Submissions (4):

Labcorp Genetics (formerly Invitae), Labcorp
Classification: Uncertain significance for Rhabdoid tumor predisposition syndrome 2. Last evaluated: 2025-12-22. Review status: criteria provided, single submitter. Criteria: Invitae Variant Classification Sherloc (09022015). Collection method: clinical testing. Allele origin: germline.
Comment: This sequence change replaces glycine, which is neutral and non-polar, with arginine, which is basic and polar, at codon 271 of the SMARCA4 protein (p.Gly271Arg). This variant is present in population databases (rs769414440, gnomAD 0.04%). This variant has not been reported in the literature in individuals affected with SMARCA4-related conditions. ClinVar contains an entry for this variant (Variation ID: 408641). An algorithm developed to predict the effect of missense changes on protein structure and function (PolyPhen-2) suggests that this variant is likely to be disruptive. In summary, the available evidence is currently insufficient to determine the role of this variant in disease. Therefore, it has been classified as a Variant of Uncertain Significance.

Baylor Genetics
Classification: Uncertain significance for Rhabdoid tumor predisposition syndrome 2. Last evaluated: 2023-05-16. Review status: criteria provided, single submitter. Criteria: ACMG Guidelines, 2015. Collection method: clinical testing. Allele origin: unknown.

Ambry Genetics
Classification: Benign for Hereditary cancer-predisposing syndrome. Last evaluated: 2022-11-21. Review status: criteria provided, single submitter. Criteria: Ambry Variant Classification Scheme 2023. Collection method: clinical testing. Allele origin: germline.

Genome-Nilou Lab
Classification: Uncertain significance for Intellectual disability, autosomal dominant 16. Last evaluated: 2021-07-15. Review status: criteria provided, single submitter. Criteria: ACMG Guidelines, 2015. Collection method: clinical testing. Allele origin: germline. Affected: no.